The following is an entry in ClinVar:

ClinVar aggregate classification (germline): Uncertain significance (1 of 4 stars; one submission).

gnomAD v4.1: 3 of 1,607,856 alleles (0.00019%); no homozygotes.

Submission:

Labcorp Genetics (formerly Invitae), Labcorp
Classification: Uncertain significance. Last evaluated: 2023-03-03. Review status: criteria provided, single submitter. Criteria: Invitae Variant Classification Sherloc (09022015). Collection method: clinical testing. Allele origin: germline.
Comment: In summary, the available evidence is currently insufficient to determine the role of this variant in disease. Therefore, it has been classified as a Variant of Uncertain Significance. Variants that disrupt the consensus splice site are a relatively common cause of aberrant splicing (PMID: 17576681, 9536098). Algorithms developed to predict the effect of sequence changes on RNA splicing suggest that this variant is not likely to affect RNA splicing. This variant has not been reported in the literature in individuals affected with HNF1A-related conditions. This variant is not present in population databases (gnomAD no frequency). This sequence change falls in intron 9 of the HNF1A gene. It does not directly change the encoded amino acid sequence of the HNF1A protein. It affects a nucleotide within the consensus splice site.

Literature cited by the submitters: PubMed 17576681; PubMed 9536098.

NM_000545.8(HNF1A):c.1768+4A>G

Gene: HNF1A (HNF1 homeobox A; plus strand). Cytogenetic location: 12q24.31.
Variant type: single nucleotide variant.
Coding change: c.1768+4A>G on transcript NM_000545.8 (MANE Select); 4 bases into the intron after coding-DNA position 1768, A replaced by G.
Molecular consequence: intron variant.
Genome position (GRCh38, 1-based): chr12:120,999,631, A>G. VCF-style: chr12-120999631-A-G. GRCh37 (hg19) VCF-style: chr12-121437434-A-G.
Other names: c.1789+4A>G (NM_001306179.2); c.1576+4A>G (NM_001406915.1).
Identifiers: ClinVar variation 2919679 (VCV002919679.1), dbSNP rs2500010534, ClinGen allele CA2575322144.